The following is an entry in ClinVar:

NM_012330.4(KAT6B):c.586C>G (p.Pro196Ala)

Gene: KAT6B (lysine acetyltransferase 6B; plus strand). Cytogenetic location: 10q22.2.
Variant type: single nucleotide variant.
Coding change: c.586C>G on transcript NM_012330.4 (MANE Select); coding-DNA position 586, C replaced by G.
Protein change: p.Pro196Ala; replaces proline 196 with alanine.
Molecular consequence: missense variant. On other transcripts: synonymous variant (2).
Genome position (GRCh38, 1-based): chr10:74,843,443, C>G. VCF-style: chr10-74843443-C-G. GRCh37 (hg19) VCF-style: chr10-76603201-C-G.
Other names: c.586C>G, p.Pro196Ala (NM_001256468.2, NM_001256469.2, NM_001370132.1 and 10 more transcripts); c.48C>G, p.Ser16= (NM_001370134.1, NM_001370135.1); short protein forms P196A.
Identifiers: ClinVar variation 1696303 (VCV001696303.2), dbSNP rs2132075785, ClinGen allele CA377400354.

ClinVar aggregate classification (germline): Uncertain significance. Review status: criteria provided, multiple submitters, no conflicts (2 of 4 stars). 2 submissions from 2 submitters: Uncertain significance (2). Last evaluated 2022-05-13.

Conditions:
Genitopatellar syndrome (GTPTS). Also called: Genitopatellar syndrome (GPS); ABSENT PATELLAE, SCROTAL HYPOPLASIA, RENAL ANOMALIES, FACIAL DYSMORPHISM, AND MENTAL RETARDATION. Identifiers: Orphanet 85201, MedGen C1853566, MONDO:0011640, OMIM 606170.
Blepharophimosis - intellectual disability syndrome, SBBYS type (SBBYSS). Also called: Say-Barber-Biesecker variant of Ohdo syndrome (SBBYSS); Say-Barber-Biesecker-Young-Simpson syndrome; Say-Barber-Biesecker-Young-Simpson variant of Ohdo Syndrome; Say-Barber-Biesecker Variant of Ohdo Syndrome; Ohdo syndrome, SBBYS variant; SBBYSS syndrome. Identifiers: Orphanet 3047, MedGen C1863557, MONDO:0011365, OMIM 603736.

Submissions (2):

Women's Health and Genetics/Laboratory Corporation of America, LabCorp
Classification: Uncertain significance. Last evaluated: 2022-05-13. Review status: criteria provided, single submitter. Criteria: LabCorp Variant Classification Summary - May 2015. Collection method: clinical testing. Allele origin: germline.
Comment: Variant summary: KAT6B c.586C>G (p.Pro196Ala) results in a non-conservative amino acid change in the encoded protein sequence. Three of five in-silico tools predict a benign effect of the variant on protein function. The variant was absent in 248548 control chromosomes. The available data on variant occurrences in the general population are insufficient to allow any conclusion about variant significance. To our knowledge, no occurrence of c.586C>G in individuals affected with KAT6B-Related Spectrum Disorders and no experimental evidence demonstrating its impact on protein function have been reported. No clinical diagnostic laboratories have submitted clinical-significance assessments for this variant to ClinVar after 2014. Based on the evidence outlined above, the variant was classified as uncertain significance.

Fulgent Genetics
Classification: Uncertain significance for Blepharophimosis - intellectual disability syndrome, SBBYS type; Genitopatellar syndrome. Last evaluated: 2021-11-29. Review status: criteria provided, single submitter. Criteria: ACMG Guidelines, 2015. Collection method: clinical testing. Allele origin: unknown.